The following is an entry in ClinVar:

NM_000208.4(INSR):c.297G>T (p.Leu99=)

Gene: INSR (insulin receptor; minus strand). Cytogenetic location: 19p13.2.
Variant type: single nucleotide variant.
Coding change: c.297G>T on transcript NM_000208.4 (MANE Select); coding-DNA position 297, G replaced by T.
Protein change: p.Leu99=; no amino-acid change (leucine 99 retained).
Molecular consequence: synonymous variant.
Genome position (GRCh38, 1-based): chr19:7,267,700, C>A on the plus strand (G>T on the coding strand, the complement: INSR is on the minus strand). VCF-style: chr19-7267700-C-A. GRCh37 (hg19) VCF-style: chr19-7267711-C-A.
Other names: c.297G>T, p.Leu99= (NM_001079817.3).
Identifiers: ClinVar variation 3029321 (VCV003029321.2), dbSNP rs1568229199, ClinGen allele CA505481998.

ClinVar aggregate classification (germline): Likely benign (0 of 4 stars; one submission).

Conditions:
INSR-related disorder.

Submission:

PreventionGenetics, part of Exact Sciences
Classification: Likely benign for INSR-related condition. Last evaluated: 2022-01-13. Review status: no assertion criteria provided. Collection method: clinical testing. Allele origin: germline.
Comment: This variant is classified as likely benign based on ACMG/AMP sequence variant interpretation guidelines (Richards et al. 2015 PMID: 25741868, with internal and published modifications).